The following is an entry in ClinVar:

NM_015375.3(DSTYK):c.1384C>T (p.Arg462Ter)

Gene: DSTYK (dual serine/threonine and tyrosine protein kinase; minus strand). Cytogenetic location: 1q32.1.
Variant type: single nucleotide variant.
Coding change: c.1384C>T on transcript NM_015375.3 (MANE Select); coding-DNA position 1384, C replaced by T.
Protein change: p.Arg462Ter; replaces arginine 462 with a stop codon.
Molecular consequence: nonsense.
Genome position (GRCh38, 1-based): chr1:205,163,896, G>A on the plus strand (C>T on the coding strand, the complement: DSTYK is on the minus strand). VCF-style: chr1-205163896-G-A. GRCh37 (hg19) VCF-style: chr1-205133024-G-A.
Other names: c.1384C>T, p.Arg462Ter (NM_199462.3); short protein forms R462*.
Identifiers: ClinVar variation 1031910 (VCV001031910.3), dbSNP rs77626160, ClinGen allele CA344397914.
Genomic context (GRCh38, chr1:205,163,896, plus strand): 5'-TGATCAGCTTATTAGCCACTGCCTGATTAAGTCGGGAGATGATGAGTTCCTGGATCTGTC[G>A]GATGCAGCATTTGATCTCTCTGGTGCCTACTGGTTCTCCATTCTCAGGGACAATGACGTC-3'

ClinVar aggregate classification (germline): Conflicting classifications of pathogenicity. Review status: criteria provided, conflicting classifications (1 of 4 stars). 3 submissions from 2 submitters: Pathogenic (1); Likely pathogenic (1); Uncertain significance (1). Last evaluated 2023-02-14.

Conditions:
Hereditary spastic paraplegia 23. Also called: SPASTIC PARAPARESIS, VITILIGO, PREMATURE GRAYING, CHARACTERISTIC FACIES; SPASTIC PARAPLEGIA WITH PIGMENTARY ABNORMALITIES; LISON SYNDROME. Identifiers: Orphanet 101003, MedGen C0796019, MONDO:0010046, OMIM 270750.
Congenital anomalies of kidney and urinary tract 1. Also called: Congenital anomalies of kidney and urinary tract 1, susceptibility to; Renal hypodysplasia, nonsyndromic, 1. Identifiers: MedGen C1835826, MONDO:0012561, OMIM 610805.
Complex hereditary spastic paraplegia. Identifiers: Orphanet 102013, MedGen C0393556, MONDO:0015150.

gnomAD v4.1: 3 of 1,613,956 alleles (0.00019%); highest among the groups gnomAD compares: African/African-American, 0.0027%; no homozygotes.

Submissions (3):

Department of Pathology and Laboratory Medicine, Sinai Health System
Classification: Uncertain significance for complex hereditary spastic paraplegia. Last evaluated: 2023-02-14. Review status: criteria provided, single submitter. Criteria: ACMG Guidelines, 2015. Collection method: research. Allele origin: germline.

Baylor Genetics
Classification: Likely pathogenic for Hereditary spastic paraplegia 23. Last evaluated: 2022-09-23. Review status: criteria provided, single submitter. Criteria: ACMG Guidelines, 2015. Collection method: clinical testing. Allele origin: unknown.

Baylor Genetics
Classification: Pathogenic for Congenital anomalies of kidney and urinary tract 1. Last evaluated: 2018-06-11. Review status: criteria provided, single submitter. Criteria: ACMG Guidelines, 2015. Collection method: clinical testing. Allele origin: maternal. Affected: yes.
Comment: This variant was determined to be pathogenic according to ACMG Guidelines, 2015 [PMID:25741868].